The following is an entry in ClinVar:

ClinVar aggregate classification (germline): Uncertain significance (1 of 4 stars; one submission).

Conditions:
MYH9-related disorder. Identifiers: MedGen C1854520.

Allele frequency attached by ClinVar (database versions not stated): gnomAD 0.00001.
gnomAD v4.1: 30 of 1,614,066 alleles (0.0019%); highest among the groups gnomAD compares: Non-Finnish European, 0.0023%; no homozygotes.

Submission:

PreventionGenetics, part of Exact Sciences
Classification: Uncertain significance for MYH9-related condition. Last evaluated: 2022-08-26. Review status: criteria provided, single submitter. Criteria: ACMG Guidelines, 2015. Collection method: clinical testing. Allele origin: germline.
Comment: The MYH9 c.36G>A variant is not predicted to result in an amino acid change (p.=). To our knowledge, this variant has not been reported in the literature. This variant is predicted to alter splicing based on available splicing prediction programs (Alamut Visual v2.11). However, such computer prediction programs are imperfect. This variant is reported in 0.0065% of alleles in individuals of European (Non-Finnish) descent in gnomAD. At this time, the clinical significance of this variant is uncertain due to the absence of conclusive functional and genetic evidence.

NM_002473.6(MYH9):c.36G>A (p.Val12=)

Gene: MYH9 (myosin heavy chain 9; minus strand). Cytogenetic location: 22q12.3.
Variant type: single nucleotide variant.
Coding change: c.36G>A on transcript NM_002473.6 (MANE Select); coding-DNA position 36, G replaced by A.
Protein change: p.Val12=; no amino-acid change (valine 12 retained).
Molecular consequence: synonymous variant.
Genome position (GRCh38, 1-based): chr22:36,349,201, C>T on the plus strand (G>A on the coding strand, the complement: MYH9 is on the minus strand). VCF-style: chr22-36349201-C-T. GRCh37 (hg19) VCF-style: chr22-36745246-C-T.
Identifiers: ClinVar variation 2636284 (VCV002636284.1), dbSNP rs1474370338, ClinGen allele CA514478296.